The following is an entry in ClinVar:

ClinVar aggregate classification (germline): Likely benign. Review status: criteria provided, multiple submitters, no conflicts (2 of 4 stars). 3 submissions from 3 submitters: Likely benign (2). 1 of the submissions does not count toward it. Last evaluated 2025-11-05.

Conditions:
DYNC1H1-related disorder. Also called: DYNC1H1-related condition; DYNC1H1-related disorders. Identifiers: MedGen CN381529.
Charcot-Marie-Tooth disease axonal type 2O. Also called: CHARCOT-MARIE-TOOTH NEUROPATHY, AXONAL, TYPE 2O; CHARCOT-MARIE-TOOTH DISEASE, AXONAL, AUTOSOMAL DOMINANT, TYPE 2O; Charcot-Marie-Tooth Neuropathy Type 2O; Charcot-Marie-Tooth disease, axonal, type 20. Identifiers: Orphanet 284232, MedGen C3280220, MONDO:0013644, OMIM 614228.

Allele frequency attached by ClinVar (database versions not stated): gnomAD exomes 0.00001 and 0.00004; ExAC 0.00006; ESP Exome Variant Server 0.00008; TOPMed 0.00021; gnomAD 0.00022 and 0.00023; 1000 Genomes Project 0.00100; 1000 Genomes Project 30x 0.00125.
gnomAD v4.1: 56 of 1,614,106 alleles (0.0035%); highest among the groups gnomAD compares: African/African-American, 0.068%; no homozygotes.

Submissions (3):

Labcorp Genetics (formerly Invitae), Labcorp
Classification: Likely benign for Charcot-Marie-Tooth disease axonal type 2O. Last evaluated: 2025-11-05. Review status: criteria provided, single submitter. Criteria: Invitae Variant Classification Sherloc (09022015). Collection method: clinical testing. Allele origin: germline.

GeneDx
Classification: Likely benign. Last evaluated: 2018-03-07. Review status: criteria provided, single submitter. Criteria: GeneDx Variant Classification (06012015). Collection method: clinical testing. Allele origin: germline. Affected: yes.
Comment: This variant is considered likely benign or benign based on one or more of the following criteria: it is a conservative change, it occurs at a poorly conserved position in the protein, it is predicted to be benign by multiple in silico algorithms, and/or has population frequency not consistent with disease.

PreventionGenetics, part of Exact Sciences
Classification: Likely benign for DYNC1H1-related condition. Last evaluated: 2024-06-19. Review status: no assertion criteria provided. Collection method: clinical testing. Allele origin: germline. Not counted in ClinVar's aggregate classification.
Comment: This variant is classified as likely benign based on ACMG/AMP sequence variant interpretation guidelines (Richards et al. 2015 PMID: 25741868, with internal and published modifications).

NM_001376.5(DYNC1H1):c.8638-7T>C

Gene: DYNC1H1 (dynein cytoplasmic 1 heavy chain 1; plus strand). Cytogenetic location: 14q32.31.
Variant type: single nucleotide variant.
Coding change: c.8638-7T>C on transcript NM_001376.5 (MANE Select); 7 bases into the intron before coding-DNA position 8638, T replaced by C.
Molecular consequence: intron variant.
Genome position (GRCh38, 1-based): chr14:102,026,567, T>C. VCF-style: chr14-102026567-T-C. GRCh37 (hg19) VCF-style: chr14-102492904-T-C.
Identifiers: ClinVar variation 472557 (VCV000472557.12), dbSNP rs201446705, ClinGen allele CA7353095.